The following is an entry in ClinVar:

ClinVar aggregate classification (germline): Conflicting classifications of pathogenicity. Review status: criteria provided, conflicting classifications (1 of 4 stars). 2 submissions from 2 submitters: Uncertain significance (1); Likely benign (1). Last evaluated 2024-02-03.

Conditions:
Neuronopathy, distal hereditary motor, autosomal recessive 4. Also called: NEUROPATHY, DISTAL HEREDITARY MOTOR, AUTOSOMAL RECESSIVE 4; Autosomal recessive lower motor neuron disease with childhood onset. Identifiers: Orphanet 206580, MedGen C1970211, MONDO:0012608, OMIM 611067.
Charcot-Marie-Tooth disease recessive intermediate C. Also called: CHARCOT-MARIE-TOOTH NEUROPATHY, RECESSIVE INTERMEDIATE C. Identifiers: Orphanet 369867, MedGen C3809309, MONDO:0014154, OMIM 615376.

Allele frequency attached by ClinVar (database versions not stated): TOPMed 0.00001; gnomAD exomes 0.01408; gnomAD 0.02174 and 0.02500; ExAC 0.33333.
gnomAD v4.1: 5 of 1,405,436 alleles (0.00036%); highest among the groups gnomAD compares: Middle Eastern, 0.018%; no homozygotes.

Submissions (2):

Labcorp Genetics (formerly Invitae), Labcorp
Classification: Likely benign for Neuronopathy, distal hereditary motor, autosomal recessive 4; Charcot-Marie-Tooth disease recessive intermediate C. Last evaluated: 2024-02-03. Review status: criteria provided, single submitter. Criteria: Invitae Variant Classification Sherloc (09022015). Collection method: clinical testing. Allele origin: germline.

Baylor Genetics
Classification: Uncertain significance for Charcot-Marie-Tooth disease recessive intermediate C. Last evaluated: 2019-05-16. Review status: criteria provided, single submitter. Criteria: ACMG Guidelines, 2015. Collection method: clinical testing. Allele origin: paternal. Affected: yes.
Comment: This variant was determined to be of uncertain significance according to ACMG Guidelines, 2015 [PMID:25741868].

NM_020631.6(PLEKHG5):c.1393-16C>G

Gene: PLEKHG5 (pleckstrin homology and RhoGEF domain containing G5; minus strand). Cytogenetic location: 1p36.31.
Variant type: single nucleotide variant.
Coding change: c.1393-16C>G on transcript NM_020631.6 (MANE Select); 16 bases into the intron before coding-DNA position 1393, C replaced by G.
Molecular consequence: intron variant.
Genome position (GRCh38, 1-based): chr1:6,470,900, G>C on the plus strand (C>G on the coding strand, the complement: PLEKHG5 is on the minus strand). VCF-style: chr1-6470900-G-C. GRCh37 (hg19) VCF-style: chr1-6530960-G-C.
Other names: c.1393-16C>G (NM_198681.4, NM_001265594.3, NM_001042664.2 and 1 more transcripts); c.1504-16C>G (NM_001042663.3, NM_001265592.2); c.1600-16C>G (NM_001265593.2).
Identifiers: ClinVar variation 1028662 (VCV001028662.3), dbSNP rs747761762, ClinGen allele CA561523.